The following is an entry in ClinVar:

ClinVar aggregate classification (germline): Uncertain significance. Review status: criteria provided, multiple submitters, no conflicts (2 of 4 stars). 2 submissions from 2 submitters: Uncertain significance (2). Last evaluated 2022-11-19.

Conditions:
Inborn genetic diseases. Identifiers: MedGen C0950123, MeSH D030342.

Allele frequency attached by ClinVar (database versions not stated): ExAC 0.00004; TOPMed 0.00010; gnomAD 0.00014; ESP Exome Variant Server 0.00025.
gnomAD v4.1: 225 of 1,613,930 alleles (0.014%); highest among the groups gnomAD compares: Non-Finnish European, 0.018%; no homozygotes.

Submissions (2):

Ambry Genetics
Classification: Uncertain significance for Inborn genetic diseases. Last evaluated: 2022-11-19. Review status: criteria provided, single submitter. Criteria: Ambry Variant Classification Scheme 2023. Collection method: clinical testing. Allele origin: germline.

Labcorp Genetics (formerly Invitae), Labcorp
Classification: Uncertain significance. Last evaluated: 2022-03-26. Review status: criteria provided, single submitter. Criteria: Invitae Variant Classification Sherloc (09022015). Collection method: clinical testing. Allele origin: germline.
Comment: This sequence change replaces lysine, which is basic and polar, with glutamine, which is neutral and polar, at codon 2515 of the FAT1 protein (p.Lys2515Gln). This variant is present in population databases (rs371035634, gnomAD 0.01%). This variant has not been reported in the literature in individuals affected with FAT1-related conditions. Algorithms developed to predict the effect of missense changes on protein structure and function are either unavailable or do not agree on the potential impact of this missense change (SIFT: "Deleterious"; PolyPhen-2: "Benign"; Align-GVGD: "Class C0"). In summary, the available evidence is currently insufficient to determine the role of this variant in disease. Therefore, it has been classified as a Variant of Uncertain Significance.

NM_005245.4(FAT1):c.7543A>C (p.Lys2515Gln)

Gene: FAT1 (FAT atypical cadherin 1; minus strand). Cytogenetic location: 4q35.2.
Variant type: single nucleotide variant.
Coding change: c.7543A>C on transcript NM_005245.4 (MANE Select); coding-DNA position 7543, A replaced by C.
Protein change: p.Lys2515Gln; replaces lysine 2515 with glutamine.
Molecular consequence: missense variant.
Genome position (GRCh38, 1-based): chr4:186,619,043, T>G on the plus strand (A>C on the coding strand, the complement: FAT1 is on the minus strand). VCF-style: chr4-186619043-T-G. GRCh37 (hg19) VCF-style: chr4-187540197-T-G.
Other names: short protein forms K2515Q.
Identifiers: ClinVar variation 1985725 (VCV001985725.2), dbSNP rs371035634, ClinGen allele CA3166043.